The following is an entry in ClinVar:

NM_005120.3(MED12):c.4896G>A (p.Leu1632=)

Gene: MED12 (mediator complex subunit 12; plus strand). Cytogenetic location: Xq13.1.
Variant type: single nucleotide variant.
Coding change: c.4896G>A on transcript NM_005120.3 (MANE Select); coding-DNA position 4896, G replaced by A.
Protein change: p.Leu1632=; no amino-acid change (leucine 1632 retained).
Molecular consequence: synonymous variant.
Genome position (GRCh38, 1-based): chrX:71,135,124, G>A. VCF-style: chrX-71135124-G-A. GRCh37 (hg19) VCF-style: chrX-70354974-G-A.
Other names: c.4896G>A (NM_005120.2).
Identifiers: ClinVar variation 2660849 (VCV002660849.26), dbSNP rs1188438467, ClinGen allele CA516726776.

ClinVar aggregate classification (germline): Likely benign. Review status: criteria provided, multiple submitters, no conflicts (2 of 4 stars). 3 submissions from 3 submitters: Likely benign (3). Last evaluated 2026-01-27.

Conditions:
FG syndrome (FGS). Identifiers: MedGen C0220769, MONDO:0002010.
Familial thoracic aortic aneurysm and aortic dissection (TAAD). Also called: Thoracic aortic aneurysms and dissections. Identifiers: Orphanet 91387, MedGen C4707243, MONDO:0019625.

Allele frequency attached by ClinVar (database versions not stated): gnomAD exomes below 0.00001.
gnomAD v4.1: 3 of 1,211,487 alleles (0.00025%); highest among the groups gnomAD compares: Non-Finnish European, 0.00034%; no homozygotes.

Submissions (3):

Labcorp Genetics (formerly Invitae), Labcorp
Classification: Likely benign for FG syndrome. Last evaluated: 2026-01-27. Review status: criteria provided, single submitter. Criteria: Invitae Variant Classification Sherloc (09022015). Collection method: clinical testing. Allele origin: germline.

Ambry Genetics
Classification: Likely benign for Familial thoracic aortic aneurysm and aortic dissection. Last evaluated: 2024-04-12. Review status: criteria provided, single submitter. Criteria: Ambry Variant Classification Scheme 2023. Collection method: clinical testing. Allele origin: germline.

CeGaT Center for Human Genetics Tuebingen
Classification: Likely benign. Last evaluated: 2022-11-01. Review status: criteria provided, single submitter. Criteria: CeGaT Center For Human Genetics Tuebingen Variant Classification Criteria Version 2. Collection method: clinical testing. Allele origin: germline. Affected: yes. Observed: 1 variant allele.
Comment: MED12: BP4, BP7